The following is an entry in ClinVar:

ClinVar aggregate classification (germline): Conflicting classifications of pathogenicity. Review status: criteria provided, conflicting classifications (1 of 4 stars). 2 submissions from 2 submitters: Uncertain significance (1); Likely benign (1). Last evaluated 2023-12-10.

Allele frequency attached by ClinVar (database versions not stated): gnomAD 0.00002 and 0.00003; TOPMed 0.00003; gnomAD exomes 0.00006 and 0.00011; ESP Exome Variant Server 0.00008; ExAC 0.00016.
gnomAD v4.1: 88 of 1,614,178 alleles (0.0055%); highest among the groups gnomAD compares: Non-Finnish European, 0.0065%; no homozygotes.

Submissions (2):

Labcorp Genetics (formerly Invitae), Labcorp
Classification: Likely benign. Last evaluated: 2023-12-10. Review status: criteria provided, single submitter. Criteria: Invitae Variant Classification Sherloc (09022015). Collection method: clinical testing. Allele origin: germline.

GeneDx
Classification: Uncertain significance. Last evaluated: 2023-02-17. Review status: criteria provided, single submitter. Criteria: GeneDx Variant Classification Process June 2021. Collection method: clinical testing. Allele origin: germline. Affected: yes.
Comment: In silico analysis supports that this variant does not alter splicing; Has not been previously published as pathogenic or benign to our knowledge

NM_000092.5(COL4A4):c.1560T>G (p.Pro520=)

Gene: COL4A4 (collagen type IV alpha 4 chain; minus strand). Cytogenetic location: 2q36.3.
Variant type: single nucleotide variant.
Coding change: c.1560T>G on transcript NM_000092.5 (MANE Select); coding-DNA position 1560, T replaced by G.
Protein change: p.Pro520=; no amino-acid change (proline 520 retained).
Molecular consequence: synonymous variant.
Genome position (GRCh38, 1-based): chr2:227,088,716, A>C on the plus strand (T>G on the coding strand, the complement: COL4A4 is on the minus strand). VCF-style: chr2-227088716-A-C. GRCh37 (hg19) VCF-style: chr2-227953432-A-C.
Identifiers: ClinVar variation 1087224 (VCV001087224.12), dbSNP rs374935235, ClinGen allele CA2145131.
Genomic context (GRCh38, chr2:227,088,716, plus strand): 5'-TAGCCCTGGAGGTCCTTCAGCACCAGGAGGTCCTGGGTCACCTTTTGTTCCAAGCCAGCC[A>C]GGGAGCCCCAAGTCTCCCTTACTCCCCTGCCTCCCAGGAAGTCCTGGAGGGCCAGGGGGG-3'
Protein context (NP_000083.3, residues 510-530): RQGSKGDLGL[Pro520=]GWLGTKGDPG